The following is an entry in ClinVar:

NM_006343.3(MERTK):c.1238A>G (p.Gln413Arg)

Gene: MERTK (MER proto-oncogene, tyrosine kinase; plus strand). Cytogenetic location: 2q13.
Variant type: single nucleotide variant.
Coding change: c.1238A>G on transcript NM_006343.3 (MANE Select); coding-DNA position 1238, A replaced by G.
Protein change: p.Gln413Arg; replaces glutamine 413 with arginine.
Molecular consequence: missense variant.
Genome position (GRCh38, 1-based): chr2:111,982,935, A>G. VCF-style: chr2-111982935-A-G. GRCh37 (hg19) VCF-style: chr2-112740512-A-G.
Other names: short protein forms Q413R.
Identifiers: ClinVar variation 1059524 (VCV001059524.9), dbSNP rs1676401069, ClinGen allele CA348235660.

ClinVar aggregate classification (germline): Uncertain significance (1 of 4 stars; one submission).

Submission:

Labcorp Genetics (formerly Invitae), Labcorp
Classification: Uncertain significance. Last evaluated: 2023-04-24. Review status: criteria provided, single submitter. Criteria: Invitae Variant Classification Sherloc (09022015). Collection method: clinical testing. Allele origin: germline.
Comment: This sequence change replaces glutamine, which is neutral and polar, with arginine, which is basic and polar, at codon 413 of the MERTK protein (p.Gln413Arg). This variant is not present in population databases (gnomAD no frequency). This variant has not been reported in the literature in individuals affected with MERTK-related conditions. ClinVar contains an entry for this variant (Variation ID: 1059524). Advanced modeling of protein sequence and biophysical properties (such as structural, functional, and spatial information, amino acid conservation, physicochemical variation, residue mobility, and thermodynamic stability) performed at Invitae indicates that this missense variant is not expected to disrupt MERTK protein function. In summary, the available evidence is currently insufficient to determine the role of this variant in disease. Therefore, it has been classified as a Variant of Uncertain Significance.